The following is an entry in ClinVar:

ClinVar aggregate classification (germline): Likely benign (1 of 4 stars; one submission).

Allele frequency attached by ClinVar (database versions not stated): gnomAD exomes below 0.00001.
gnomAD v4.1: 7 of 1,613,344 alleles (0.00043%); highest among the groups gnomAD compares: Non-Finnish European, 0.00059%; no homozygotes.

Submission:

CeGaT Center for Human Genetics Tuebingen
Classification: Likely benign. Last evaluated: 2024-02-01. Review status: criteria provided, single submitter. Criteria: CeGaT Center For Human Genetics Tuebingen Variant Classification Criteria Version 2. Collection method: clinical testing. Allele origin: germline. Affected: yes. Observed: 1 variant allele.
Comment: HERC2: BP4, BP7

NM_004667.6(HERC2):c.3435C>G (p.Leu1145=)

Gene: HERC2 (HECT and RLD domain containing E3 ubiquitin protein ligase 2; minus strand). Cytogenetic location: 15q13.1.
Variant type: single nucleotide variant.
Coding change: c.3435C>G on transcript NM_004667.6 (MANE Select); coding-DNA position 3435, C replaced by G.
Protein change: p.Leu1145=; no amino-acid change (leucine 1145 retained).
Molecular consequence: synonymous variant.
Genome position (GRCh38, 1-based): chr15:28,246,023, G>C on the plus strand (C>G on the coding strand, the complement: HERC2 is on the minus strand). VCF-style: chr15-28246023-G-C. GRCh37 (hg19) VCF-style: chr15-28491169-G-C.
Identifiers: ClinVar variation 3025998 (VCV003025998.22), dbSNP rs200545514, ClinGen allele CA267922412.